The following is an entry in ClinVar:

ClinVar aggregate classification (germline): Uncertain significance. Review status: criteria provided, multiple submitters, no conflicts (2 of 4 stars). 2 submissions from 2 submitters: Uncertain significance (2). Last evaluated 2025-03-08.

Conditions:
Inborn genetic diseases. Identifiers: MedGen C0950123, MeSH D030342.

Allele frequency attached by ClinVar (database versions not stated): TOPMed below 0.00001.

Submissions (2):

Ambry Genetics
Classification: Uncertain significance for Inborn genetic diseases. Last evaluated: 2025-03-08. Review status: criteria provided, single submitter. Criteria: Ambry Variant Classification Scheme 2023. Collection method: clinical testing. Allele origin: germline.

Labcorp Genetics (formerly Invitae), Labcorp
Classification: Uncertain significance. Last evaluated: 2023-08-04. Review status: criteria provided, single submitter. Criteria: Invitae Variant Classification Sherloc (09022015). Collection method: clinical testing. Allele origin: germline.
Comment: This sequence change replaces glutamine, which is neutral and polar, with proline, which is neutral and non-polar, at codon 1691 of the MCM3AP protein (p.Gln1691Pro). This variant is not present in population databases (gnomAD no frequency). This variant has not been reported in the literature in individuals affected with MCM3AP-related conditions. ClinVar contains an entry for this variant (Variation ID: 1496692). An algorithm developed to predict the effect of missense changes on protein structure and function (PolyPhen-2) suggests that this variant is likely to be disruptive. In summary, the available evidence is currently insufficient to determine the role of this variant in disease. Therefore, it has been classified as a Variant of Uncertain Significance.

NM_003906.5(MCM3AP):c.5072A>C (p.Gln1691Pro)

Genes: MCM3AP (minichromosome maintenance complex component 3 associated protein; minus strand), MCM3AP-AS1 (MCM3AP antisense RNA 1; plus strand). Cytogenetic location: 21q22.3.
Variant type: single nucleotide variant.
Coding change: c.5072A>C on transcript NM_003906.5 (MANE Select); coding-DNA position 5072, A replaced by C.
Protein change: p.Gln1691Pro; replaces glutamine 1691 with proline.
Molecular consequence: missense variant.
Genome position (GRCh38, 1-based): chr21:46,243,689, T>G on the plus strand (A>C on the coding strand, the complement: MCM3AP is on the minus strand). VCF-style: chr21-46243689-T-G. GRCh37 (hg19) VCF-style: chr21-47663603-T-G.
Other names: c.5072A>C (NM_003906.3); short protein forms Q1691P.
Identifiers: ClinVar variation 1496692 (VCV001496692.9), dbSNP rs1261167492, ClinGen allele CA410542240.